The following is an entry in ClinVar:

NM_012301.4(MAGI2):c.3102_3119del (p.1030QSPLAQ[1])

Gene: MAGI2 (membrane associated guanylate kinase, WW and PDZ domain containing 2; minus strand). Cytogenetic location: 7q21.11.
Variant type: Deletion.
Coding change: c.3102_3119del on transcript NM_012301.4 (MANE Select); coding-DNA positions 3102 to 3119, 18 bases deleted (ACAGCAGAGTCCCCTGGC).
Protein change: p.1030QSPLAQ[1].
Genome position (GRCh38, 1-based): chr7:78,132,973-78,132,990, GCCAGGGGACTCTGCTGT deleted on the plus strand (ACAGCAGAGTCCCCTGGC on the coding strand, the reverse complement: MAGI2 is on the minus strand); deleting any 18 consecutive bases within chr7:78,132,973-78,133,007 gives the same sequence; the c. name uses the placement nearest the transcript's 3' end. VCF-style (leftmost placement, unchanged base first): chr7-78132972-GGCCAGGGGACTCTGCTGT-G. GRCh37 (hg19) VCF-style: chr7-77762289-GGCCAGGGGACTCTGCTGT-G.
Other names: c.3060_3077del, p.1016QSPLAQ[1] (NM_001301128.2).
Identifiers: ClinVar variation 4050680 (VCV004050680.1).

ClinVar aggregate classification (germline): Uncertain significance (1 of 4 stars; one submission).

Submission:

Ambry Genetics
Classification: Uncertain significance. Last evaluated: 2025-05-09. Review status: criteria provided, single submitter. Criteria: Ambry Variant Classification Scheme 2023. Collection method: clinical testing. Allele origin: germline.
Comment: Does not currently meet published gene-disease clinical validity criteria Based on insufficient or conflicting evidence, the clinical significance of this alteration remains unclear.

Literature cited by the submitters: PubMed 28106320.